The following is an entry in ClinVar:

ClinVar aggregate classification (germline): Uncertain significance (1 of 4 stars; one submission).

Conditions:
Cardiovascular phenotype. Identifiers: MedGen CN230736.

Submission:

Ambry Genetics
Classification: Uncertain significance for Cardiovascular phenotype. Last evaluated: 2023-10-16. Review status: criteria provided, single submitter. Criteria: Ambry Variant Classification Scheme 2023. Collection method: clinical testing. Allele origin: germline.
Comment: The p.V91M variant (also known as c.271G>A), located in coding exon 3 of the APOA1 gene, results from a G to A substitution at nucleotide position 271. The valine at codon 91 is replaced by methionine, an amino acid with highly similar properties. This amino acid position is conserved. In addition, this alteration is predicted to be tolerated by in silico analysis. Since supporting evidence is limited at this time, the clinical significance of this alteration remains unclear.

NM_000039.3(APOA1):c.271G>A (p.Val91Met)

Genes: APOA1 (apolipoprotein A1; minus strand), APOA1-AS (APOA1 antisense RNA; plus strand). Cytogenetic location: 11q23.3.
Variant type: single nucleotide variant.
Coding change: c.271G>A on transcript NM_000039.3 (MANE Select); coding-DNA position 271, G replaced by A.
Protein change: p.Val91Met; replaces valine 91 with methionine.
Molecular consequence: missense variant.
Genome position (GRCh38, 1-based): chr11:116,836,341, C>T on the plus strand (G>A on the coding strand, the complement: APOA1 is on the minus strand). VCF-style: chr11-116836341-C-T. GRCh37 (hg19) VCF-style: chr11-116707057-C-T.
Other names: c.271G>A, p.Val91Met (NM_001318017.2, NM_001318018.2, NM_001425090.1 and 1 more transcripts); c.-57G>A (NM_001318021.2, NM_001425091.1, NM_001425092.1); short protein forms V91M.
Identifiers: ClinVar variation 3231914 (VCV003231914.1), dbSNP rs2134231457, ClinGen allele CA382717090.